The following is an entry in ClinVar:

NM_004656.4(BAP1):c.285C>T (p.Ala95=)

Gene: BAP1 (BRCA1 associated deubiquitinase 1; minus strand). Cytogenetic location: 3p21.1.
Variant type: single nucleotide variant.
Coding change: c.285C>T on transcript NM_004656.4 (MANE Select); coding-DNA position 285, C replaced by T.
Protein change: p.Ala95=; no amino-acid change (alanine 95 retained).
Molecular consequence: synonymous variant.
Genome position (GRCh38, 1-based): chr3:52,408,048, G>A on the plus strand (C>T on the coding strand, the complement: BAP1 is on the minus strand). VCF-style: chr3-52408048-G-A. GRCh37 (hg19) VCF-style: chr3-52442064-G-A.
Identifiers: ClinVar variation 696710 (VCV000696710.18), dbSNP rs1288003773, ClinGen allele CA433777743.
Genomic context (GRCh38, chr3:52,408,048, plus strand): 5'-CATGCGACTCAGGGTGGGTCCCAGGTCCACGCTGCTGCAGTTCAGGAGCACGCTCAGCAA[G>A]GCATGAGTTGCACAAGAGTTGGGTATCAGCTGTGAAACCAAGAATAGTCACCCATACACA-3'
Protein context (NP_004647.1, residues 85-105): QLIPNSCATH[Ala95=]LLSVLLNCSS

ClinVar aggregate classification (germline): Benign/Likely benign. Review status: criteria provided, multiple submitters, no conflicts (2 of 4 stars). 5 submissions from 5 submitters: Benign (1); Likely benign (4). Last evaluated 2025-12-22.

Conditions:
BAP1-related tumor predisposition syndrome (TPDS1). Also called: TUMOR PREDISPOSITION SYNDROME 1; Tumor susceptibility linked to germline BAP1 mutations; BAP1 tumor predisposition syndrome; COMMON Syndrome. Identifiers: Orphanet 289539, MedGen C3280492, MONDO:0013692, OMIM 614327.
Hereditary cancer-predisposing syndrome. Also called: Neoplastic Syndromes, Hereditary; Hereditary Cancer Syndrome; Tumor predisposition; Hereditary neoplastic syndrome. Identifiers: Orphanet 140162, MedGen C0027672, MeSH D009386, MONDO:0015356.

Allele frequency attached by ClinVar (database versions not stated): TOPMed below 0.00001; gnomAD exomes 0.00001.
gnomAD v4.1: 7 of 1,612,050 alleles (0.00043%); highest among the groups gnomAD compares: Middle Eastern, 0.017%; no homozygotes.

Submissions (5):

Labcorp Genetics (formerly Invitae), Labcorp
Classification: Likely benign for BAP1-related tumor predisposition syndrome. Last evaluated: 2025-12-22. Review status: criteria provided, single submitter. Criteria: Invitae Variant Classification Sherloc (09022015). Collection method: clinical testing. Allele origin: germline.

Myriad Genetics, Inc.
Classification: Benign for BAP1-related tumor predisposition syndrome. Last evaluated: 2024-07-11. Review status: criteria provided, single submitter. Criteria: Myriad Autosomal Dominant, Autosomal Recessive and X-Linked Classification Criteria (2023). Collection method: clinical testing. Allele origin: unknown.
Comment: This variant is considered benign. This variant is a silent/synonymous amino acid change and it is not expected to impact splicing.

Sema4
Classification: Likely benign for Hereditary cancer-predisposing syndrome. Last evaluated: 2020-11-05. Review status: criteria provided, single submitter. Criteria: Sema4 Curation Guidelines. Collection method: curation. Allele origin: germline.

Color Diagnostics, LLC DBA Color Health
Classification: Likely benign for Hereditary cancer-predisposing syndrome. Last evaluated: 2018-12-03. Review status: criteria provided, single submitter. Criteria: ACMG Guidelines, 2015. Collection method: clinical testing. Allele origin: germline.

Ambry Genetics
Classification: Likely benign for Hereditary cancer-predisposing syndrome. Last evaluated: 2018-08-15. Review status: criteria provided, single submitter. Criteria: Ambry Variant Classification Scheme 2023. Collection method: clinical testing. Allele origin: germline.